The following is an entry in ClinVar:

NM_002336.3(LRP6):c.3370C>T (p.Arg1124Trp)

Gene: LRP6 (LDL receptor related protein 6; minus strand). Cytogenetic location: 12p13.2.
Variant type: single nucleotide variant.
Coding change: c.3370C>T on transcript NM_002336.3 (MANE Select); coding-DNA position 3370, C replaced by T.
Protein change: p.Arg1124Trp; replaces arginine 1124 with tryptophan.
Molecular consequence: missense variant. On other transcripts: non-coding transcript variant (1).
Genome position (GRCh38, 1-based): chr12:12,147,393, G>A on the plus strand (C>T on the coding strand, the complement: LRP6 is on the minus strand). VCF-style: chr12-12147393-G-A. GRCh37 (hg19) VCF-style: chr12-12300327-G-A.
Other names: c.3370C>T (NM_002336.2); c.3370C>T, p.Arg1124Trp (NM_001414244.1, NM_001414245.1, NM_001414246.1 and 4 more transcripts); c.3172C>T, p.Arg1058Trp (NM_001414247.1); c.2917C>T, p.Arg973Trp (NM_001414252.1, NM_001414253.1, NM_001414254.1); c.2863C>T, p.Arg955Trp (NM_001414255.1); short protein forms R955W, R1124W, R1058W, R973W.
Identifiers: ClinVar variation 2723711 (VCV002723711.5), dbSNP rs147411481, ClinGen allele CA6455267.

ClinVar aggregate classification (germline): Uncertain significance. Review status: criteria provided, multiple submitters, no conflicts (2 of 4 stars). 3 submissions from 3 submitters: Uncertain significance (3). Last evaluated 2025-11-20.

Conditions:
Inborn genetic diseases. Identifiers: MedGen C0950123, MeSH D030342.

Allele frequency attached by ClinVar (database versions not stated): TOPMed 0.00006; ExAC 0.00007; gnomAD 0.00007; ESP Exome Variant Server 0.00008; gnomAD exomes 0.00019.
gnomAD v4.1: 278 of 1,613,958 alleles (0.017%); highest among the groups gnomAD compares: Non-Finnish European, 0.023%; no homozygotes.

Submissions (3):

Ambry Genetics
Classification: Uncertain significance for Inborn genetic diseases. Last evaluated: 2025-11-20. Review status: criteria provided, single submitter. Criteria: Ambry Variant Classification Scheme 2023. Collection method: clinical testing. Allele origin: germline.

GeneDx
Classification: Uncertain significance. Last evaluated: 2025-08-04. Review status: criteria provided, single submitter. Criteria: GeneDx Variant Classification Process June 2021. Collection method: clinical testing. Allele origin: germline. Affected: yes.
Comment: In silico analysis supports that this missense variant has a deleterious effect on protein structure/function; Has not been previously published as pathogenic or benign to our knowledge

Labcorp Genetics (formerly Invitae), Labcorp
Classification: Uncertain significance. Last evaluated: 2025-04-30. Review status: criteria provided, single submitter. Criteria: Invitae Variant Classification Sherloc (09022015). Collection method: clinical testing. Allele origin: germline.
Comment: This sequence change replaces arginine, which is basic and polar, with tryptophan, which is neutral and slightly polar, at codon 1124 of the LRP6 protein (p.Arg1124Trp). This variant is present in population databases (rs147411481, gnomAD 0.01%). This variant has not been reported in the literature in individuals affected with LRP6-related conditions. ClinVar contains an entry for this variant (Variation ID: 2723711). Invitae Evidence Modeling of protein sequence and biophysical properties (such as structural, functional, and spatial information, amino acid conservation, physicochemical variation, residue mobility, and thermodynamic stability) indicates that this missense variant is not expected to disrupt LRP6 protein function with a negative predictive value of 80%. In summary, the available evidence is currently insufficient to determine the role of this variant in disease. Therefore, it has been classified as a Variant of Uncertain Significance.